The following is an entry in ClinVar:

ClinVar aggregate classification (germline): Likely benign. Review status: criteria provided, multiple submitters, no conflicts (2 of 4 stars). 5 submissions from 5 submitters: Likely benign (5). Last evaluated 2023-10-16.

Conditions:
Cardiac arrhythmia. Also called: Cardiac rhythm disease; Arrhythmia. Identifiers: MedGen C0003811, MONDO:0007263, HP:0011675.
Cardiovascular phenotype. Identifiers: MedGen CN230736.
Long QT syndrome (LQTS). Identifiers: MedGen C0023976, MeSH D008133, MONDO:0002442. Disease mechanism: loss of function. Inheritance: Various modes of inheritance.

gnomAD v4.1: 2 of 1,613,648 alleles (0.00012%); no homozygotes.

Submissions (5):

Blueprint Genetics
Classification: Likely benign. Last evaluated: 2023-10-16. Review status: criteria provided, single submitter. Criteria: ACMG Guidelines, 2015. Collection method: clinical testing. Allele origin: germline.

Labcorp Genetics (formerly Invitae), Labcorp
Classification: Likely benign for Long QT syndrome. Last evaluated: 2023-04-04. Review status: criteria provided, single submitter. Criteria: Invitae Variant Classification Sherloc (09022015). Collection method: clinical testing. Allele origin: germline.

All of Us Research Program, National Institutes of Health
Classification: Likely benign for Long QT syndrome. Last evaluated: 2023-03-04. Review status: criteria provided, single submitter. Criteria: ACMG Guidelines, 2015. Collection method: clinical testing. Allele origin: germline. Inheritance: Autosomal dominant inheritance. Observed: 2 variant alleles, 2 heterozygotes.
Comment: This study involves interpretation of variants in research participants for the purpose of population health screening. Participant phenotype was not available at the time of variant classification. Additional details can be found in publication PMID: 35346344, PMCID: PMC8962531

Ambry Genetics
Classification: Likely benign for Cardiovascular phenotype. Last evaluated: 2022-12-01. Review status: criteria provided, single submitter. Criteria: Ambry Variant Classification Scheme 2023. Collection method: clinical testing. Allele origin: germline.

Color Diagnostics, LLC DBA Color Health
Classification: Likely benign for Arrhythmia. Last evaluated: 2019-12-09. Review status: criteria provided, single submitter. Criteria: ACMG Guidelines, 2015. Collection method: clinical testing. Allele origin: germline.

NM_000218.3(KCNQ1):c.1290G>A (p.Gly430=)

Gene: KCNQ1 (potassium voltage-gated channel subfamily Q member 1; plus strand). Cytogenetic location: 11p15.5.
Variant type: single nucleotide variant.
Coding change: c.1290G>A on transcript NM_000218.3 (MANE Select); coding-DNA position 1290, G replaced by A.
Protein change: p.Gly430=; no amino-acid change (glycine 430 retained).
Molecular consequence: synonymous variant.
Genome position (GRCh38, 1-based): chr11:2,588,751, G>A. VCF-style: chr11-2588751-G-A. GRCh37 (hg19) VCF-style: chr11-2609981-G-A.
Other names: c.1194G>A, p.Gly398= (NM_001406836.1); c.1020G>A, p.Gly340= (NM_001406837.1); c.750G>A, p.Gly250= (NM_001406838.1); c.909G>A, p.Gly303= (NM_181798.2).
Identifiers: ClinVar variation 923751 (VCV000923751.17), dbSNP rs1848629909, ClinGen allele CA472039762.